The following is an entry in ClinVar:

NM_000448.3(RAG1):c.997T>C (p.Tyr333His)

Gene: RAG1 (recombination activating 1; plus strand). Cytogenetic location: 11p12.
Variant type: single nucleotide variant.
Coding change: c.997T>C on transcript NM_000448.3 (MANE Select); coding-DNA position 997, T replaced by C.
Protein change: p.Tyr333His; replaces tyrosine 333 with histidine.
Molecular consequence: missense variant.
Genome position (GRCh38, 1-based): chr11:36,574,301, T>C. VCF-style: chr11-36574301-T-C. GRCh37 (hg19) VCF-style: chr11-36595851-T-C.
Other names: c.997T>C, p.Tyr333His (NM_001377277.1, NM_001377278.1, NM_001377279.1 and 1 more transcripts); short protein forms Y333H.
Identifiers: ClinVar variation 644561 (VCV000644561.10), dbSNP rs1041695603, ClinGen allele CA220600678.

ClinVar aggregate classification (germline): Uncertain significance. Review status: criteria provided, multiple submitters, no conflicts (2 of 4 stars). 4 submissions from 4 submitters: Uncertain significance (4). Last evaluated 2023-05-04.

Conditions:
Inborn genetic diseases. Identifiers: MedGen C0950123, MeSH D030342.
Severe combined immunodeficiency, autosomal recessive, T cell-negative, B cell-negative, NK cell-positive. Also called: SCID, AR, T-cell negative, B-cell negative, NK cell-positive; SCID, T CELL-NEGATIVE, B CELL-NEGATIVE, NK CELL-POSITIVE; Severe combined immunodeficiency due to complete RAG1/2 deficiency. Identifiers: Orphanet 331206, MedGen C1832322, MONDO:0011086, OMIM 601457.
Combined immunodeficiency with skin granulomas. Identifiers: Orphanet 157949, MedGen C2673536, MONDO:0009306, OMIM 233650.
Combined immunodeficiency due to partial RAG1 deficiency. Identifiers: Orphanet 231154, MedGen C1835931, MONDO:0012359, OMIM 609889.
Histiocytic medullary reticulosis. Also called: SEVERE COMBINED IMMUNODEFICIENCY WITH HYPEREOSINOPHILIA; Omenn syndrome. Identifiers: Orphanet 39041, MedGen C2700553, MONDO:0011338, OMIM 603554.

Allele frequency attached by ClinVar (database versions not stated): gnomAD 0.00001; gnomAD exomes 0.00001; TOPMed 0.00001.
gnomAD v4.1: 18 of 1,614,134 alleles (0.0011%); highest among the groups gnomAD compares: Non-Finnish European, 0.0015%; no homozygotes.

Submissions (4):

Ambry Genetics
Classification: Uncertain significance for Inborn genetic diseases. Last evaluated: 2023-05-04. Review status: criteria provided, single submitter. Criteria: Ambry Variant Classification Scheme 2023. Collection method: clinical testing. Allele origin: germline.

Labcorp Genetics (formerly Invitae), Labcorp
Classification: Uncertain significance for Combined immunodeficiency with skin granulomas; Severe combined immunodeficiency, autosomal recessive, T cell-negative, B cell-negative, NK cell-positive. Last evaluated: 2022-04-09. Review status: criteria provided, single submitter. Criteria: Invitae Variant Classification Sherloc (09022015). Collection method: clinical testing. Allele origin: germline.
Comment: This sequence change replaces tyrosine, which is neutral and polar, with histidine, which is basic and polar, at codon 333 of the RAG1 protein (p.Tyr333His). This variant is not present in population databases (gnomAD no frequency). This variant has not been reported in the literature in individuals affected with RAG1-related conditions. ClinVar contains an entry for this variant (Variation ID: 644561). Algorithms developed to predict the effect of missense changes on protein structure and function are either unavailable or do not agree on the potential impact of this missense change (SIFT: "Tolerated"; PolyPhen-2: "Probably Damaging"; Align-GVGD: "Class C0"). In summary, the available evidence is currently insufficient to determine the role of this variant in disease. Therefore, it has been classified as a Variant of Uncertain Significance.

Blueprint Genetics
Classification: Uncertain significance. Last evaluated: 2022-02-08. Review status: criteria provided, single submitter. Criteria: ACMG Guidelines, 2015. Collection method: clinical testing. Allele origin: germline.

New York Genome Center
Classification: Uncertain significance for Combined immunodeficiency with skin granulomas; Severe combined immunodeficiency, autosomal recessive, T cell-negative, B cell-negative, NK cell-positive; Combined immunodeficiency due to partial RAG1 deficiency; Histiocytic medullary reticulosis. Last evaluated: 2021-03-26. Review status: criteria provided, single submitter. Criteria: NYGC Assertion Criteria 2020. Collection method: clinical testing. Allele origin: inherited. Observed: 1 heterozygote. Study: CSER-NYCKidSeq.